The following is an entry in ClinVar:

ClinVar aggregate classification (germline): Pathogenic (1 of 4 stars; one submission).

Conditions:
Primary ciliary dyskinesia. Also called: Ciliary dyskinesia. Identifiers: Orphanet 244, MedGen C0008780, MONDO:0016575, HP:0012265.

Submission:

Labcorp Genetics (formerly Invitae), Labcorp
Classification: Pathogenic for Primary ciliary dyskinesia. Last evaluated: 2022-10-31. Review status: criteria provided, single submitter. Criteria: Invitae Variant Classification Sherloc (09022015). Collection method: clinical testing. Allele origin: germline.
Comment: For these reasons, this variant has been classified as Pathogenic. This variant has not been reported in the literature in individuals affected with DNAH5-related conditions. This variant is not present in population databases (gnomAD no frequency). This sequence change creates a premature translational stop signal (p.Ala3820Valfs*36) in the DNAH5 gene. It is expected to result in an absent or disrupted protein product. Loss-of-function variants in DNAH5 are known to be pathogenic (PMID: 11788826, 16627867).

Literature cited by the submitters: PubMed 11788826; PubMed 16627867.

NM_001369.3(DNAH5):c.11459del (p.Ala3820fs)

Gene: DNAH5 (dynein axonemal heavy chain 5; minus strand). Cytogenetic location: 5p15.2.
Variant type: Deletion.
Coding change: c.11459del on transcript NM_001369.3 (MANE Select); coding-DNA position 11459, one base deleted (C; older notation c.11459delC).
Protein change: p.Ala3820fs; shifts the reading frame from alanine 3820.
Molecular consequence: frameshift variant.
Genome position (GRCh38, 1-based): chr5:13,735,929, G deleted on the plus strand (C on the coding strand, the reverse complement: DNAH5 is on the minus strand). VCF-style (leftmost placement, unchanged base first): chr5-13735928-AG-A. GRCh37 (hg19) VCF-style: chr5-13736037-AG-A.
Other names: short protein forms A3820fs.
Identifiers: ClinVar variation 2918734 (VCV002918734.3), dbSNP rs2546564284, ClinGen allele CA2739274622.